The following is an entry in ClinVar:

NM_000170.3(GLDC):c.142G>T (p.Gly48Trp)

Gene: GLDC (glycine decarboxylase; minus strand). Cytogenetic location: 9p24.1.
Variant type: single nucleotide variant.
Coding change: c.142G>T on transcript NM_000170.3 (MANE Select); coding-DNA position 142, G replaced by T.
Protein change: p.Gly48Trp; replaces glycine 48 with tryptophan.
Molecular consequence: missense variant.
Genome position (GRCh38, 1-based): chr9:6,645,358, C>A on the plus strand (G>T on the coding strand, the complement: GLDC is on the minus strand). VCF-style: chr9-6645358-C-A. GRCh37 (hg19) VCF-style: chr9-6645358-C-A.
Other names: short protein forms G48W.
Identifiers: ClinVar variation 367206 (VCV000367206.8), dbSNP rs1057515608, ClinGen allele CA10633912.

ClinVar aggregate classification (germline): Uncertain significance. Review status: criteria provided, multiple submitters, no conflicts (2 of 4 stars). 3 submissions from 3 submitters: Uncertain significance (2). 1 of the submissions does not count toward it. Last evaluated 2022-07-31.

Conditions:
Glycine encephalopathy 1 (GCE1). Identifiers: MedGen CN376801, MONDO:0958179, OMIM 605899.
Glycine encephalopathy. Also called: Nonketotic hyperglycinemia; Non-ketotic hyperglycinemia. Identifiers: Orphanet 407, MedGen C0751748, MONDO:0011612, HP:0008288.

Allele frequency attached by ClinVar (database versions not stated): TOPMed 0.00001; gnomAD 0.00002.
gnomAD v4.1: 27 of 1,544,524 alleles (0.0017%); highest among the groups gnomAD compares: Non-Finnish European, 0.0023%; no homozygotes.

Submissions (3):

Labcorp Genetics (formerly Invitae), Labcorp
Classification: Uncertain significance for Glycine encephalopathy. Last evaluated: 2022-07-31. Review status: criteria provided, single submitter. Criteria: Invitae Variant Classification Sherloc (09022015). Collection method: clinical testing. Allele origin: germline.
Comment: This sequence change replaces glycine, which is neutral and non-polar, with tryptophan, which is neutral and slightly polar, at codon 48 of the GLDC protein (p.Gly48Trp). This variant is present in population databases (no rsID available, gnomAD 0.01%). This variant has not been reported in the literature in individuals affected with GLDC-related conditions. ClinVar contains an entry for this variant (Variation ID: 367206). Advanced modeling of protein sequence and biophysical properties (such as structural, functional, and spatial information, amino acid conservation, physicochemical variation, residue mobility, and thermodynamic stability) performed at Invitae indicates that this missense variant is not expected to disrupt GLDC protein function. In summary, the available evidence is currently insufficient to determine the role of this variant in disease. Therefore, it has been classified as a Variant of Uncertain Significance.

Illumina Laboratory Services, Illumina
Classification: Uncertain significance for Glycine encephalopathy 1. Last evaluated: 2018-01-13. Review status: criteria provided, single submitter. Criteria: ICSL Variant Classification Criteria 13 December 2019. Collection method: clinical testing. Allele origin: germline.

Counsyl
Classification: Uncertain significance for Glycine encephalopathy 1. Last evaluated: 2017-09-26. Review status: no assertion criteria provided. Collection method: clinical testing. Allele origin: unknown. Not counted in ClinVar's aggregate classification.